The following is an entry in ClinVar:

ClinVar aggregate classification (germline): Uncertain significance. Review status: criteria provided, multiple submitters, no conflicts (2 of 4 stars). 2 submissions from 2 submitters: Uncertain significance (2). Last evaluated 2026-09-14.

Conditions:
ESCO2-related disorder. Also called: ESCO2-related condition.

Allele frequency attached by ClinVar (database versions not stated): ExAC 0.00003; gnomAD 0.00009; ESP Exome Variant Server 0.00015; 1000 Genomes Project 0.00020; 1000 Genomes Project 30x 0.00031.
gnomAD v4.1: 22 of 1,614,152 alleles (0.0014%); highest among the groups gnomAD compares: African/African-American, 0.029%; no homozygotes.

Submissions (2):

PreventionGenetics, part of Exact Sciences
Classification: Uncertain significance for ESCO2-related condition. Last evaluated: 2026-09-14. Review status: criteria provided, single submitter. Criteria: ACMG Guidelines, 2015. Collection method: clinical testing. Allele origin: germline.
Comment: The ESCO2 c.26G>A variant is predicted to result in the amino acid substitution p.Arg9Lys. To our knowledge, this variant has not been reported in the literature. This variant is present in 0.024% of alleles in individuals of African descent in gnomAD. At this time, the clinical significance of this variant is uncertain due to the absence of conclusive functional and genetic evidence.

Labcorp Genetics (formerly Invitae), Labcorp
Classification: Uncertain significance. Last evaluated: 2023-10-20. Review status: criteria provided, single submitter. Criteria: Invitae Variant Classification Sherloc (09022015). Collection method: clinical testing. Allele origin: germline.
Comment: This sequence change replaces arginine, which is basic and polar, with lysine, which is basic and polar, at codon 9 of the ESCO2 protein (p.Arg9Lys). This variant is present in population databases (rs145248677, gnomAD 0.02%). This variant has not been reported in the literature in individuals affected with ESCO2-related conditions. An algorithm developed to predict the effect of missense changes on protein structure and function (PolyPhen-2) suggests that this variant is likely to be tolerated. In summary, the available evidence is currently insufficient to determine the role of this variant in disease. Therefore, it has been classified as a Variant of Uncertain Significance.

NM_001017420.3(ESCO2):c.26G>A (p.Arg9Lys)

Gene: ESCO2 (establishment of sister chromatid cohesion N-acetyltransferase 2; plus strand). Cytogenetic location: 8p21.1.
Variant type: single nucleotide variant.
Coding change: c.26G>A on transcript NM_001017420.3 (MANE Select); coding-DNA position 26, G replaced by A.
Protein change: p.Arg9Lys; replaces arginine 9 with lysine.
Molecular consequence: missense variant.
Genome position (GRCh38, 1-based): chr8:27,775,540, G>A. VCF-style: chr8-27775540-G-A. GRCh37 (hg19) VCF-style: chr8-27633057-G-A.
Other names: short protein forms R9K.
Identifiers: ClinVar variation 2634921 (VCV002634921.5), dbSNP rs145248677, ClinGen allele CA4691978.